The following is an entry in ClinVar:

NM_172362.3(KCNH1):c.416C>T (p.Pro139Leu)

Gene: KCNH1 (potassium voltage-gated channel subfamily H member 1; minus strand). Cytogenetic location: 1q32.2.
Variant type: single nucleotide variant.
Coding change: c.416C>T on transcript NM_172362.3 (MANE Select); coding-DNA position 416, C replaced by T.
Protein change: p.Pro139Leu; replaces proline 139 with leucine.
Molecular consequence: missense variant.
Genome position (GRCh38, 1-based): chr1:211,090,585, G>A on the plus strand (C>T on the coding strand, the complement: KCNH1 is on the minus strand). VCF-style: chr1-211090585-G-A. GRCh37 (hg19) VCF-style: chr1-211263927-G-A.
Other names: c.416C>T, p.Pro139Leu (NM_002238.4); short protein forms P139L.
Identifiers: ClinVar variation 1970657 (VCV001970657.5), dbSNP rs2526802192, ClinGen allele CA344875247.

ClinVar aggregate classification (germline): Uncertain significance (1 of 4 stars; one submission).

Submission:

Labcorp Genetics (formerly Invitae), Labcorp
Classification: Uncertain significance. Last evaluated: 2024-05-15. Review status: criteria provided, single submitter. Criteria: Invitae Variant Classification Sherloc (09022015). Collection method: clinical testing. Allele origin: germline.
Comment: This sequence change replaces proline, which is neutral and non-polar, with leucine, which is neutral and non-polar, at codon 139 of the KCNH1 protein (p.Pro139Leu). This variant is not present in population databases (gnomAD no frequency). This variant has not been reported in the literature in individuals affected with KCNH1-related conditions. ClinVar contains an entry for this variant (Variation ID: 1970657). Advanced modeling of protein sequence and biophysical properties (such as structural, functional, and spatial information, amino acid conservation, physicochemical variation, residue mobility, and thermodynamic stability) performed at Invitae indicates that this missense variant is expected to disrupt KCNH1 protein function with a positive predictive value of 95%. In summary, the available evidence is currently insufficient to determine the role of this variant in disease. Therefore, it has been classified as a Variant of Uncertain Significance.